The following is an entry in ClinVar:

ClinVar aggregate classification (germline): Uncertain significance (1 of 4 stars; one submission).

Conditions:
Inborn genetic diseases. Identifiers: MedGen C0950123, MeSH D030342.

Submission:

Ambry Genetics
Classification: Uncertain significance for Inborn genetic diseases. Last evaluated: 2025-04-12. Review status: criteria provided, single submitter. Criteria: Ambry Variant Classification Scheme 2023. Collection method: clinical testing. Allele origin: germline.
Comment: The p.K1184M variant (also known as c.3551A>T), located in coding exon 1 of the SAMD9 gene, results from an A to T substitution at nucleotide position 3551. The lysine at codon 1184 is replaced by methionine, an amino acid with similar properties. This amino acid position is conserved. In addition, this alteration is predicted to be tolerated by in silico analysis. Based on the available evidence, the clinical significance of this variant remains unclear.

NM_017654.4(SAMD9):c.3551A>T (p.Lys1184Met)

Gene: SAMD9 (sterile alpha motif domain containing 9; minus strand). Cytogenetic location: 7q21.2.
Variant type: single nucleotide variant.
Coding change: c.3551A>T on transcript NM_017654.4 (MANE Select); coding-DNA position 3551, A replaced by T.
Protein change: p.Lys1184Met; replaces lysine 1184 with methionine.
Molecular consequence: missense variant.
Genome position (GRCh38, 1-based): chr7:93,102,547, T>A on the plus strand (A>T on the coding strand, the complement: SAMD9 is on the minus strand). VCF-style: chr7-93102547-T-A. GRCh37 (hg19) VCF-style: chr7-92731860-T-A.
Other names: c.3551A>T, p.Lys1184Met (NM_001193307.2); short protein forms K1184M.
Identifiers: ClinVar variation 3949543 (VCV003949543.1).